The following is an entry in ClinVar:

ClinVar aggregate classification (germline): Benign/Likely benign. Review status: criteria provided, multiple submitters, no conflicts (2 of 4 stars). 4 submissions from 4 submitters: Benign (2); Likely benign (2). Last evaluated 2026-01-24.

Conditions:
Congenital myasthenic syndrome 9. Also called: Myasthenic syndrome, congenital, 9, associated with acetylcholine receptor deficiency. Identifiers: Orphanet 590, MedGen C4225368, MONDO:0014587, OMIM 616325.
Fetal akinesia deformation sequence 1 (FADS1). Also called: Pena-Shokeir syndrome type I; Fetal akinesia sequence. Identifiers: Orphanet 994, MedGen C1276035, MONDO:0100101, OMIM 208150, HP:0001989.

Allele frequency attached by ClinVar (database versions not stated): gnomAD 0.00004 and 0.00025; TOPMed 0.00006; gnomAD exomes 0.00028 and 0.00069; ExAC 0.00077; 1000 Genomes Project 30x 0.00359; 1000 Genomes Project 0.00419.
gnomAD v4.1: 473 of 1,613,944 alleles (0.029%); highest among the groups gnomAD compares: South Asian, 0.46%; 5 homozygotes.

Submissions (4):

Labcorp Genetics (formerly Invitae), Labcorp
Classification: Benign for Congenital myasthenic syndrome 9; Fetal akinesia deformation sequence 1. Last evaluated: 2026-01-24. Review status: criteria provided, single submitter. Criteria: Invitae Variant Classification Sherloc (09022015). Collection method: clinical testing. Allele origin: germline.

Blueprint Genetics
Classification: Likely benign. Last evaluated: 2023-03-22. Review status: criteria provided, single submitter. Criteria: ACMG Guidelines, 2015. Collection method: clinical testing. Allele origin: germline.

Illumina Laboratory Services, Illumina
Classification: Likely benign for Congenital myasthenic syndrome 9. Last evaluated: 2018-01-13. Review status: criteria provided, single submitter. Criteria: ICSL Variant Classification Criteria 13 December 2019. Collection method: clinical testing. Allele origin: germline.
Comment: This variant was observed in the ICSL laboratory as part of a predisposition screen in an ostensibly healthy population. It had not been previously curated by ICSL or reported in the Human Gene Mutation Database (HGMD: prior to June 1st, 2018), and was therefore a candidate for classification through an automated scoring system. Utilizing variant allele frequency, disease prevalence and penetrance estimates, and inheritance mode, an automated score was calculated to assess if this variant is too frequent to cause the disease. Based on the score and internal cut-off values, a variant classified as likely benign is not then subjected to further curation. The score for this variant resulted in a classification of likely benign for this disease.

Athena Diagnostics
Classification: Benign. Last evaluated: 2016-08-30. Review status: criteria provided, single submitter. Criteria: Athena Diagnostics Criteria. Collection method: clinical testing. Allele origin: germline.

NM_005592.4(MUSK):c.2286C>T (p.Asp762=)

Gene: MUSK (muscle associated receptor tyrosine kinase; plus strand). Cytogenetic location: 9q31.3.
Variant type: single nucleotide variant.
Coding change: c.2286C>T on transcript NM_005592.4 (MANE Select); coding-DNA position 2286, C replaced by T.
Protein change: p.Asp762=; no amino-acid change (aspartic acid 762 retained).
Molecular consequence: synonymous variant.
Genome position (GRCh38, 1-based): chr9:110,800,664, C>T. VCF-style: chr9-110800664-C-T. GRCh37 (hg19) VCF-style: chr9-113562944-C-T.
Other names: c.2028C>T, p.Asp676= (NM_001166280.2); c.1998C>T, p.Asp666= (NM_001166281.2); c.1026C>T, p.Asp342= (NM_001369398.1).
Identifiers: ClinVar variation 364614 (VCV000364614.16), dbSNP rs199832657, ClinGen allele CA5184600.